The following is an entry in ClinVar:

ClinVar aggregate classification (germline): Benign. Review status: criteria provided, single submitter (1 of 4 stars). 2 submissions from 2 submitters: Benign (1). 1 of the submissions does not count toward it. Last evaluated 2026-01-28.

Conditions:
TNS2-related disorder. Also called: TNS2-related condition.

Allele frequency attached by ClinVar (database versions not stated): gnomAD exomes 0.00019; ExAC 0.00061; ESP Exome Variant Server 0.00123; gnomAD 0.00192; TOPMed 0.00212; 1000 Genomes Project 0.00220.
gnomAD v4.1: 580 of 1,610,208 alleles (0.036%); highest among the groups gnomAD compares: African/African-American, 0.67%; 3 homozygotes.

Submissions (2):

Labcorp Genetics (formerly Invitae), Labcorp
Classification: Benign. Last evaluated: 2026-01-28. Review status: criteria provided, single submitter. Criteria: Invitae Variant Classification Sherloc (09022015). Collection method: clinical testing. Allele origin: germline.

PreventionGenetics, part of Exact Sciences
Classification: Likely benign for TNS2-related condition. Last evaluated: 2019-07-16. Review status: no assertion criteria provided. Collection method: clinical testing. Allele origin: germline. Not counted in ClinVar's aggregate classification.
Comment: This variant is classified as likely benign based on ACMG/AMP sequence variant interpretation guidelines (Richards et al. 2015 PMID: 25741868, with internal and published modifications).

NM_170754.4(TNS2):c.3072C>T (p.Pro1024=)

Gene: TNS2 (tensin 2; plus strand). Cytogenetic location: 12q13.13.
Variant type: single nucleotide variant.
Coding change: c.3072C>T on transcript NM_170754.4 (MANE Select); coding-DNA position 3072, C replaced by T.
Protein change: p.Pro1024=; no amino-acid change (proline 1024 retained).
Molecular consequence: synonymous variant.
Genome position (GRCh38, 1-based): chr12:53,060,978, C>T. VCF-style: chr12-53060978-C-T. GRCh37 (hg19) VCF-style: chr12-53454762-C-T.
Other names: c.3102C>T (NM_015319.2); c.3072C>T, p.Pro1024= (NM_001416202.1); c.3030C>T, p.Pro1010= (NM_001416203.1); c.3099C>T, p.Pro1033= (NM_001416204.1); c.3003C>T, p.Pro1001= (NM_015319.3); c.2700C>T, p.Pro900= (NM_198316.2).
Identifiers: ClinVar variation 2048496 (VCV002048496.6), dbSNP rs143332398, ClinGen allele CA6592761.